The following is an entry in ClinVar:

NM_172351.3(CD46):c.776G>T (p.Gly259Val)

Gene: CD46 (CD46 molecule; plus strand). Cytogenetic location: 1q32.2.
Variant type: single nucleotide variant.
Coding change: c.776G>T on transcript NM_172351.3 (MANE Select); coding-DNA position 776, G replaced by T.
Protein change: p.Gly259Val; replaces glycine 259 with valine.
Molecular consequence: missense variant.
Genome position (GRCh38, 1-based): chr1:207,767,115, G>T. VCF-style: chr1-207767115-G-T. GRCh37 (hg19) VCF-style: chr1-207940460-G-T.
Other names: c.776G>T, p.Gly259Val (NM_002389.4, NM_153826.4, NM_172350.3 and 8 more transcripts); short protein forms G259V.
Identifiers: ClinVar variation 4291182 (VCV004291182.2).

ClinVar aggregate classification (germline): Likely pathogenic (1 of 4 stars; one submission).

Conditions:
Atypical hemolytic-uremic syndrome. Identifiers: Orphanet 2134, MedGen C2931788, MONDO:0016244.

Submission:

Genomenon, Inc
Classification: Likely pathogenic for Atypical hemolytic-uremic syndrome. Last evaluated: 2026-09-17. Review status: criteria provided, single submitter. Criteria: Genomenon Sequence Variant Interpretation Standards - Updated. Collection method: curation. Allele origin: germline. Affected: yes.
Comment: CD46 p.Gly259Val (c.776G>T) is a missense variant that changes the amino acid at codon 259 from glycine to valine. This variant has been observed in at least one proband affected with atypical hemolytic-uremic syndrome (PMID:25733390). Functional studies have been reported (PMID:25733390). This variant is located in a mutational hotspot and/or important functional domain. It is absent or not present at a significant frequency in gnomAD. In silico models predict that this variant is possibly or probably damaging. In conclusion, we classify CD46 p.Gly259Val (c.776G>T) as a likely pathogenic variant.

Literature cited by the submitters: PubMed 25733390.